The following is an entry in ClinVar:

NM_001042492.3(NF1):c.4455T>G (p.Asp1485Glu)

Gene: NF1 (neurofibromin 1; plus strand). Cytogenetic location: 17q11.2.
Variant type: single nucleotide variant.
Coding change: c.4455T>G on transcript NM_001042492.3 (MANE Select); coding-DNA position 4455, T replaced by G.
Protein change: p.Asp1485Glu; replaces aspartic acid 1485 with glutamic acid.
Molecular consequence: missense variant.
Genome position (GRCh38, 1-based): chr17:31,260,393, T>G. VCF-style: chr17-31260393-T-G. GRCh37 (hg19) VCF-style: chr17-29587411-T-G.
Other names: c.4392T>G, p.Asp1464Glu (NM_000267.4); short protein forms D1485E, D1464E.
Identifiers: ClinVar variation 2142893 (VCV002142893.6), dbSNP rs186556778, ClinGen allele CA398999250.

ClinVar aggregate classification (germline): Uncertain significance. Review status: criteria provided, multiple submitters, no conflicts (2 of 4 stars). 3 submissions from 3 submitters: Uncertain significance (3). Last evaluated 2026-04-24.

Conditions:
Neurofibromatosis, type 1 (NF1). Also called: Neurofibromatosis, type I; VON RECKLINGHAUSEN DISEASE; NEUROFIBROMATOSIS, TYPE I, SOMATIC; Peripheral type neurofibromatosis. Identifiers: Orphanet 636, MedGen C0027831, MONDO:0018975, OMIM 162200. Disease mechanism: loss of function.
Cardiovascular phenotype. Identifiers: MedGen CN230736.
Hereditary cancer-predisposing syndrome. Also called: Tumor predisposition; Hereditary Cancer Syndrome; Hereditary neoplastic syndrome; Neoplastic Syndromes, Hereditary. Identifiers: Orphanet 140162, MedGen C0027672, MeSH D009386, MONDO:0015356.
Juvenile myelomonocytic leukemia (JMML). Also called: LEUKEMIA, JUVENILE MYELOMONOCYTIC, SOMATIC. Identifiers: Orphanet 86834, MedGen C0349639, MONDO:0011908, OMIM 607785, HP:0012209.

Submissions (3):

Ambry Genetics
Classification: Uncertain significance for Cardiovascular phenotype; Hereditary cancer-predisposing syndrome. Last evaluated: 2026-04-24. Review status: criteria provided, single submitter. Criteria: Ambry Variant Classification Scheme 2023. Collection method: clinical testing. Allele origin: germline.
Comment: The p.D1464E variant (also known as c.4392T>G), located in coding exon 33 of the NF1 gene, results from a T to G substitution at nucleotide position 4392. The aspartic acid at codon 1464 is replaced by glutamic acid, an amino acid with highly similar properties. This amino acid position is highly conserved in available vertebrate species. In addition, this alteration is predicted to be tolerated by in silico analysis. Based on the available evidence, the clinical significance of this variant remains unclear.

Baylor Genetics
Classification: Uncertain significance for Juvenile myelomonocytic leukemia. Last evaluated: 2024-02-13. Review status: criteria provided, single submitter. Criteria: ACMG Guidelines, 2015. Collection method: clinical testing. Allele origin: unknown.

Labcorp Genetics (formerly Invitae), Labcorp
Classification: Uncertain significance for Neurofibromatosis, type 1. Last evaluated: 2022-07-08. Review status: criteria provided, single submitter. Criteria: Invitae Variant Classification Sherloc (09022015). Collection method: clinical testing. Allele origin: germline.
Comment: In summary, the available evidence is currently insufficient to determine the role of this variant in disease. Therefore, it has been classified as a Variant of Uncertain Significance. Advanced modeling of protein sequence and biophysical properties (such as structural, functional, and spatial information, amino acid conservation, physicochemical variation, residue mobility, and thermodynamic stability) performed at Invitae indicates that this missense variant is not expected to disrupt NF1 protein function. This variant has not been reported in the literature in individuals affected with NF1-related conditions. This variant is not present in population databases (gnomAD no frequency). This sequence change replaces aspartic acid, which is acidic and polar, with glutamic acid, which is acidic and polar, at codon 1464 of the NF1 protein (p.Asp1464Glu).